The following is an entry in ClinVar:

ClinVar aggregate classification (germline): Pathogenic (1 of 4 stars; one submission).

Conditions:
PHGDH deficiency. Identifiers: Orphanet 79351, MedGen C1866174, MONDO:0011152, OMIM 601815.

Submission:

Labcorp Genetics (formerly Invitae), Labcorp
Classification: Pathogenic for PHGDH deficiency. Last evaluated: 2022-03-18. Review status: criteria provided, single submitter. Criteria: Invitae Variant Classification Sherloc (09022015). Collection method: clinical testing. Allele origin: germline.
Comment: For these reasons, this variant has been classified as Pathogenic. This variant has not been reported in the literature in individuals affected with PHGDH-related conditions. This variant is not present in population databases (gnomAD no frequency). This sequence change creates a premature translational stop signal (p.Gln120*) in the PHGDH gene. It is expected to result in an absent or disrupted protein product. Loss-of-function variants in PHGDH are known to be pathogenic (PMID: 14645240, 24836451).

Literature cited by the submitters: PubMed 14645240; PubMed 24836451.

NM_006623.4(PHGDH):c.358C>T (p.Gln120Ter)

Gene: PHGDH (phosphoglycerate dehydrogenase; plus strand). Cytogenetic location: 1p12.
Variant type: single nucleotide variant.
Coding change: c.358C>T on transcript NM_006623.4 (MANE Select); coding-DNA position 358, C replaced by T.
Protein change: p.Gln120Ter; replaces glutamine 120 with a stop codon.
Molecular consequence: nonsense.
Genome position (GRCh38, 1-based): chr1:119,726,852, C>T. VCF-style: chr1-119726852-C-T. GRCh37 (hg19) VCF-style: chr1-120269475-C-T.
Other names: short protein forms Q120*.
Identifiers: ClinVar variation 2113696 (VCV002113696.4), dbSNP rs2464111708, ClinGen allele CA341847534.